The following is an entry in ClinVar:

NM_015512.5(DNAH1):c.4134G>C (p.Glu1378Asp)

Gene: DNAH1 (dynein axonemal heavy chain 1; plus strand). Cytogenetic location: 3p21.1.
Variant type: single nucleotide variant.
Coding change: c.4134G>C on transcript NM_015512.5 (MANE Select); coding-DNA position 4134, G replaced by C.
Protein change: p.Glu1378Asp; replaces glutamic acid 1378 with aspartic acid.
Molecular consequence: missense variant.
Genome position (GRCh38, 1-based): chr3:52,358,605, G>C. VCF-style: chr3-52358605-G-C. GRCh37 (hg19) VCF-style: chr3-52392621-G-C.
Other names: short protein forms E1378D.
Identifiers: ClinVar variation 2181163 (VCV002181163.4), dbSNP rs759023536, ClinGen allele CA353125431.
Genomic context (GRCh38, chr3:52,358,605, plus strand): 5'-CCACTGCTTGCAGCTGCTATTCCAGGAGGACCTGGAGATCACGCACATGTACTCAGCCGA[G>C]GGGGAGGAGGTACAGTTGTGCTTCTCCATCTACCCCTCCAGCAACGTGGAGGACTGGCTG-3'
Protein context (NP_056327.4, residues 1368-1388): DLEITHMYSA[Glu1378Asp]GEEVQLCFSI

ClinVar aggregate classification (germline): Uncertain significance (1 of 4 stars; one submission).

Conditions:
Ciliary dyskinesia, primary, 37 (CILD37). Also called: CILIARY DYSKINESIA, PRIMARY, 37, WITH OR WITHOUT SITUS INVERSUS. Identifiers: MedGen C4539798, MONDO:0033204, OMIM 617577.
Spermatogenic failure 18. Identifiers: MedGen C4539783, MONDO:0054615, OMIM 617576.

gnomAD v4.1: 22 of 1,612,998 alleles (0.0014%); highest among the groups gnomAD compares: Admixed American, 0.0033%; no homozygotes.

Submission:

Labcorp Genetics (formerly Invitae), Labcorp
Classification: Uncertain significance for Ciliary dyskinesia, primary, 37; Spermatogenic failure 18. Last evaluated: 2022-07-19. Review status: criteria provided, single submitter. Criteria: Invitae Variant Classification Sherloc (09022015). Collection method: clinical testing. Allele origin: germline.
Comment: This variant has not been reported in the literature in individuals affected with DNAH1-related conditions. This variant is present in population databases (no rsID available, gnomAD 0.003%). This sequence change replaces glutamic acid, which is acidic and polar, with aspartic acid, which is acidic and polar, at codon 1378 of the DNAH1 protein (p.Glu1378Asp). Algorithms developed to predict the effect of missense changes on protein structure and function (SIFT, PolyPhen-2, Align-GVGD) all suggest that this variant is likely to be disruptive. In summary, the available evidence is currently insufficient to determine the role of this variant in disease. Therefore, it has been classified as a Variant of Uncertain Significance.